The following is an entry in ClinVar:

NM_006831.3(CLP1):c.422T>A (p.Leu141Ter)

Gene: CLP1 (cleavage factor polyribonucleotide kinase subunit 1; plus strand). Cytogenetic location: 11q12.1.
Variant type: single nucleotide variant.
Coding change: c.422T>A on transcript NM_006831.3 (MANE Select); coding-DNA position 422, T replaced by A.
Protein change: p.Leu141Ter; replaces leucine 141 with a stop codon.
Molecular consequence: nonsense. On other transcripts: intron variant (1).
Genome position (GRCh38, 1-based): chr11:57,659,898, T>A. VCF-style: chr11-57659898-T-A. GRCh37 (hg19) VCF-style: chr11-57427370-T-A.
Other names: c.414+8T>A (NM_001142597.2); short protein forms L141*.
Identifiers: ClinVar variation 1030161 (VCV001030161.1), dbSNP rs1945858355, ClinGen allele CA380697313.

ClinVar aggregate classification (germline): Uncertain significance (1 of 4 stars; one submission).

Conditions:
Pontocerebellar hypoplasia type 10. Identifiers: Orphanet 411493, MedGen C5190575, MONDO:0014349, OMIM 615803.

Submission:

Baylor Genetics
Classification: Uncertain significance for Pontocerebellar hypoplasia type 10. Last evaluated: 2020-06-10. Review status: criteria provided, single submitter. Criteria: ACMG Guidelines, 2015. Collection method: clinical testing. Allele origin: unknown. Affected: yes.
Comment: This variant was determined to be of uncertain significance according to ACMG Guidelines, 2015 [PMID:25741868].